The following is an entry in ClinVar:

NM_000059.4(BRCA2):c.82A>G (p.Ser28Gly)

Gene: BRCA2 (BRCA2 DNA repair associated; plus strand). Cytogenetic location: 13q13.1.
Variant type: single nucleotide variant.
Coding change: c.82A>G on transcript NM_000059.4 (MANE Select); coding-DNA position 82, A replaced by G.
Protein change: p.Ser28Gly; replaces serine 28 with glycine.
Molecular consequence: missense variant.
Genome position (GRCh38, 1-based): chr13:32,319,091, A>G. VCF-style: chr13-32319091-A-G. GRCh37 (hg19) VCF-style: chr13-32893228-A-G.
Other names: short protein forms S28G.
Identifiers: ClinVar variation 220292 (VCV000220292.10), dbSNP rs864622464, ClinGen allele CA349344.

ClinVar aggregate classification (germline): Uncertain significance. Review status: criteria provided, multiple submitters, no conflicts (2 of 4 stars). 4 submissions from 4 submitters: Uncertain significance (4). Last evaluated 2025-12-29.

Conditions:
BRCA2-related cancer predisposition. Identifiers: MedGen CN377758, MONDO:0700269.
Hereditary breast ovarian cancer syndrome. Also called: Hereditary breast and ovarian cancer; BRCA1- and BRCA2-Associated Hereditary Breast and Ovarian Cancer; Hereditary breast and/or ovarian cancer syndrome; Hereditary breast and ovarian cancer syndrome; Hereditary breast and ovarian cancer syndrome (HBOC); Breast and ovarian cancer. Identifiers: Orphanet 145, MedGen C0677776, MeSH D061325, MONDO:0003582. Disease mechanism: loss of function.
Breast-ovarian cancer, familial, susceptibility to, 2 (BROVCA2). Also called: BRCA2 Hereditary Breast and Ovarian Cancer. Identifiers: Orphanet 145, MedGen C2675520, MONDO:0012933, OMIM 612555. Disease mechanism: loss of function.

Submissions (4):

Labcorp Genetics (formerly Invitae), Labcorp
Classification: Uncertain significance for Hereditary breast ovarian cancer syndrome. Last evaluated: 2025-12-29. Review status: criteria provided, single submitter. Criteria: Invitae Variant Classification Sherloc (09022015). Collection method: clinical testing. Allele origin: germline.
Comment: This sequence change replaces serine, which is neutral and polar, with glycine, which is neutral and non-polar, at codon 28 of the BRCA2 protein (p.Ser28Gly). This variant is not present in population databases (gnomAD no frequency). This variant has not been reported in the literature in individuals affected with BRCA2-related conditions. ClinVar contains an entry for this variant (Variation ID: 220292). Invitae Evidence Modeling of protein sequence and biophysical properties (such as structural, functional, and spatial information, amino acid conservation, physicochemical variation, residue mobility, and thermodynamic stability) indicates that this missense variant is not expected to disrupt BRCA2 protein function with a negative predictive value of 95%. In summary, the available evidence is currently insufficient to determine the role of this variant in disease. Therefore, it has been classified as a Variant of Uncertain Significance.

All of Us Research Program, National Institutes of Health
Classification: Uncertain significance for BRCA2-related cancer predisposition. Last evaluated: 2024-05-14. Review status: criteria provided, single submitter. Criteria: ACMG Guidelines, 2015. Collection method: clinical testing. Allele origin: germline. Inheritance: Autosomal dominant inheritance. Observed: 1 variant allele, 1 heterozygote.
Comment: This missense variant replaces serine with glycine at codon 28 of the BRCA2 protein. Computational prediction suggests that this variant may not impact protein structure and function (internally defined REVEL score threshold <= 0.5, PMID: 27666373). To our knowledge, functional studies have not been reported for this variant. This variant has not been reported in individuals affected with BRCA2-related disorders in the literature. This variant has not been identified in the general population by the Genome Aggregation Database (gnomAD). The available evidence is insufficient to determine the role of this variant in disease conclusively. Therefore, this variant is classified as a Variant of Uncertain Significance.

This study involves interpretation of variants in research participants for the purpose of population health screening. Participant phenotype was not available at the time of variant classification. Additional details can be found in publication PMID: 35346344, PMCID: PMC8962531

Quest Diagnostics Nichols Institute San Juan Capistrano
Classification: Uncertain significance. Last evaluated: 2023-06-20. Review status: criteria provided, single submitter. Criteria: Quest Diagnostics criteria. Collection method: clinical testing. Allele origin: unknown.
Comment: This variant has not been reported in the published literature. It also has not been reported in large, multi-ethnic general populations (Genome Aggregation Database). Analysis of this variant using bioinformatics tools for the prediction of the effect of amino acid changes on protein structure and function yielded conflicting predictions that this variant is benign or damaging. Based on the available information, we are unable to determine the clinical significance of this variant.

St. Jude Molecular Pathology, St. Jude Children's Research Hospital
Classification: Uncertain significance for Breast-ovarian cancer, familial, susceptibility to, 2. Last evaluated: 2022-08-30. Review status: criteria provided, single submitter. Criteria: St. Jude Assertion Criteria 2020. Collection method: clinical testing. Allele origin: germline.
Comment: The BRCA2 c.82A>G (p.Ser28Gly) missense change is absent in gnomAD v2.1.1. The in silico tool REVEL predicts a benign effect on protein function, but to our knowledge this prediction has not been confirmed by functional studies. To our knowledge, this variant has not been reported in individuals with hereditary breast and ovarian cancer or Fanconi anemia. In summary, the evidence currently available is insufficient to determine the role of this variant in hereditary breast and ovarian cancer and/or Fanconi anemia. It has therefore been classified as of uncertain significance.